The following is an entry in ClinVar:

ClinVar aggregate classification (germline): Pathogenic (1 of 4 stars; one submission).

Conditions:
Nemaline myopathy 2 (NEM2). Also called: Nemaline myopathy 2, autosomal recessive. Identifiers: MedGen C1850569, MONDO:0009725, OMIM 256030.

Submission:

Labcorp Genetics (formerly Invitae), Labcorp
Classification: Pathogenic for Nemaline myopathy 2. Last evaluated: 2023-06-19. Review status: criteria provided, single submitter. Criteria: Invitae Variant Classification Sherloc (09022015). Collection method: clinical testing. Allele origin: germline.
Comment: For these reasons, this variant has been classified as Pathogenic. This variant has not been reported in the literature in individuals affected with NEB-related conditions. This variant is not present in population databases (gnomAD no frequency). This sequence change creates a premature translational stop signal (p.Lys1584Argfs*12) in the NEB gene. It is expected to result in an absent or disrupted protein product. Loss-of-function variants in NEB are known to be pathogenic (PMID: 25205138).

Literature cited by the submitters: PubMed 25205138.

NM_001164508.2(NEB):c.4751_4752del (p.Lys1584fs)

Gene: NEB (nebulin; minus strand). Cytogenetic location: 2q23.3.
Variant type: Deletion.
Coding change: c.4751_4752del on transcript NM_001164508.2 (MANE Select); coding-DNA positions 4751 to 4752, 2 bases deleted (AA; older notation c.4751_4752delAA).
Protein change: p.Lys1584fs; shifts the reading frame from lysine 1584.
Molecular consequence: frameshift variant.
Genome position (GRCh38, 1-based): chr2:151,666,369-151,666,370, TT deleted on the plus strand (AA on the coding strand, the reverse complement: NEB is on the minus strand); deleting any 2 consecutive bases within chr2:151,666,369-151,666,371 gives the same sequence; the c. name uses the placement nearest the transcript's 3' end. VCF-style (leftmost placement, unchanged base first): chr2-151666368-CTT-C. GRCh37 (hg19) VCF-style: chr2-152522882-CTT-C.
Other names: c.4751_4752del, p.Lys1584fs (NM_001164507.2, NM_001271208.2, NM_004543.5); short protein forms K1584fs.
Identifiers: ClinVar variation 2810526 (VCV002810526.3), dbSNP rs2552258297, ClinGen allele CA2739271417.
Genomic context (GRCh38, chr2:151,666,368, plus strand): 5'-CATTCATGTAGTGAACCAGTTTAGGATCATCCTGAAGACTGAGAAATCCAACTTGCTTGC[CTT>C]TGGCTTTCTCGTAGGCCTCCTTATATTTGCACTATTTGAAAACAAAGGGCAAACAGAAGT-3'